The following is an entry in ClinVar:

ClinVar aggregate classification (germline): Uncertain significance (1 of 4 stars; one submission).

Allele frequency attached by ClinVar (database versions not stated): gnomAD exomes below 0.00001.
gnomAD v4.1: 1 of 1,613,542 alleles (0.000062%); highest among the groups gnomAD compares: South Asian, 0.0011%; no homozygotes.

Submission:

Women's Health and Genetics/Laboratory Corporation of America, LabCorp
Classification: Uncertain significance. Last evaluated: 2021-02-01. Review status: criteria provided, single submitter. Criteria: LabCorp Variant Classification Summary - May 2015. Collection method: clinical testing. Allele origin: germline.
Comment: Variant summary: LDB3 c.1857+8G>T alters a non-conserved nucleotide located close to a canonical splice site and therefore could affect mRNA splicing, leading to a significantly altered protein sequence. 4/4 computational tools predict no significant impact on normal splicing. However, these predictions have yet to be confirmed by functional studies. The variant was absent in 251266 control chromosomes (gnomAD). The available data on variant occurrences in the general population are insufficient to allow any conclusion about variant significance. To our knowledge, no occurrence of c.1857+8G>T in individuals affected with Cardiomyopathy and no experimental evidence demonstrating its impact on protein function have been reported. No clinical diagnostic laboratories have submitted clinical-significance assessments for this variant to ClinVar after 2014. Based on the evidence outlined above, the variant was classified as uncertain significance.

NM_007078.3(LDB3):c.1857+8G>T

Gene: LDB3 (LIM domain binding 3; plus strand). Cytogenetic location: 10q23.2.
Variant type: single nucleotide variant.
Coding change: c.1857+8G>T on transcript NM_007078.3 (MANE Select); 8 bases into the intron after coding-DNA position 1857, G replaced by T.
Molecular consequence: intron variant.
Genome position (GRCh38, 1-based): chr10:86,718,152, G>T. VCF-style: chr10-86718152-G-T. GRCh37 (hg19) VCF-style: chr10-88477909-G-T.
Other names: c.1668+8G>T (NM_001368064.1, NM_001368065.1); c.1872+8G>T (NM_001171610.2); c.1716+8G>T (NM_001368066.1); c.1527+8G>T (NM_001080114.2).
Identifiers: ClinVar variation 997862 (VCV000997862.1), dbSNP rs1846943768, ClinGen allele CA1925632544.